The following is an entry in ClinVar:

NM_021153.4(CDH19):c.187A>G (p.Ile63Val)

Gene: CDH19 (cadherin 19; minus strand). Cytogenetic location: 18q22.1.
Variant type: single nucleotide variant.
Coding change: c.187A>G on transcript NM_021153.4 (MANE Select); coding-DNA position 187, A replaced by G.
Protein change: p.Ile63Val; replaces isoleucine 63 with valine.
Molecular consequence: missense variant. On other transcripts: non-coding transcript variant (1).
Genome position (GRCh38, 1-based): chr18:66,572,018, T>C on the plus strand (A>G on the coding strand, the complement: CDH19 is on the minus strand). VCF-style: chr18-66572018-T-C. GRCh37 (hg19) VCF-style: chr18-64239255-T-C.
Other names: c.187A>G, p.Ile63Val (NM_001271028.2); short protein forms I63V.
Identifiers: ClinVar variation 4985890 (VCV004985890.1).
Genomic context (GRCh38, chr18:66,572,018, plus strand): 5'-ATTTATTTACATTGTTGTGCTATTTACTGTAACATTTTAAATAAATAAGTACCTGGCCGA[T>C]GTGATGACTAGTCGTATTCATTTCCTCTGGTACAAAAAATTGGTTCCACACCCAGCCACG-3'
Protein context (NP_066976.1, residues 53-73): PEEMNTTSHH[Ile63Val]GQLRSDLDNG

ClinVar aggregate classification (germline): Uncertain significance (1 of 4 stars; one submission).

Conditions:
CDH19-related disorder. Also called: CDH19-related condition.

gnomAD v4.1: 9 of 1,606,702 alleles (0.00056%); highest among the groups gnomAD compares: Non-Finnish European, 0.00077%; no homozygotes.

Submission:

PreventionGenetics, part of Exact Sciences
Classification: Uncertain significance for CDH19-related condition. Last evaluated: 2026-01-22. Review status: criteria provided, single submitter. Criteria: ACMG Guidelines, 2015. Collection method: clinical testing. Allele origin: germline.
Comment: The CDH19 c.187A>G variant is predicted to result in the amino acid substitution p.Ile63Val. To our knowledge, this variant has not been reported in the literature. This variant is reported in 0.0065% of alleles in individuals of European (Non-Finnish) descent in gnomAD. At this time, the clinical significance of this variant is uncertain due to the absence of conclusive functional and genetic evidence.